The following is an entry in ClinVar:

NM_001005361.3(DNM2):c.2164A>G (p.Met722Val)

Gene: DNM2 (dynamin 2; plus strand). Cytogenetic location: 19p13.2.
Variant type: single nucleotide variant.
Coding change: c.2164A>G on transcript NM_001005361.3 (MANE Select); coding-DNA position 2164, A replaced by G.
Protein change: p.Met722Val; replaces methionine 722 with valine.
Molecular consequence: missense variant.
Genome position (GRCh38, 1-based): chr19:10,829,141, A>G. VCF-style: chr19-10829141-A-G. GRCh37 (hg19) VCF-style: chr19-10939817-A-G.
Other names: c.2164A>G, p.Met722Val (NM_001005360.3, NM_001190716.2); c.2152A>G, p.Met718Val (NM_001005362.3, NM_004945.4); short protein forms M722V, M718V.
Identifiers: ClinVar variation 4693066 (VCV004693066.1).

ClinVar aggregate classification (germline): Uncertain significance (1 of 4 stars; one submission).

Conditions:
Charcot-Marie-Tooth disease dominant intermediate B (CMTDIB). Also called: CHARCOT-MARIE-TOOTH NEUROPATHY, DOMINANT INTERMEDIATE B; Charcot-Marie-Tooth disease dominant intermediate 1; CMT DI1; Charcot-Marie-Tooth disease dominant intermediate I. Identifiers: Orphanet 100044, Orphanet 228179, MedGen C1847902, MONDO:0011674, OMIM 606482.

Submission:

Labcorp Genetics (formerly Invitae), Labcorp
Classification: Uncertain significance for Charcot-Marie-Tooth disease dominant intermediate B. Last evaluated: 2025-04-30. Review status: criteria provided, single submitter. Criteria: Invitae Variant Classification Sherloc (09022015). Collection method: clinical testing. Allele origin: germline.
Comment: This sequence change replaces methionine, which is neutral and non-polar, with valine, which is neutral and non-polar, at codon 722 of the DNM2 protein (p.Met722Val). This variant is not present in population databases (gnomAD no frequency). This variant has not been reported in the literature in individuals affected with DNM2-related conditions. Invitae Evidence Modeling of protein sequence and biophysical properties (such as structural, functional, and spatial information, amino acid conservation, physicochemical variation, residue mobility, and thermodynamic stability) indicates that this missense variant is not expected to disrupt DNM2 protein function with a negative predictive value of 95%. In summary, the available evidence is currently insufficient to determine the role of this variant in disease. Therefore, it has been classified as a Variant of Uncertain Significance.